The following is an entry in ClinVar:

ClinVar aggregate classification (germline): Uncertain significance. Review status: criteria provided, multiple submitters, no conflicts (2 of 4 stars). 2 submissions from 2 submitters: Uncertain significance (2). Last evaluated 2025-12-02.

gnomAD v4.1: 5 of 1,613,826 alleles (0.00031%); highest among the groups gnomAD compares: Middle Eastern, 0.016%; no homozygotes.

Submissions (2):

Labcorp Genetics (formerly Invitae), Labcorp
Classification: Uncertain significance. Last evaluated: 2025-12-02. Review status: criteria provided, single submitter. Criteria: Invitae Variant Classification Sherloc (09022015). Collection method: clinical testing. Allele origin: germline.
Comment: This sequence change replaces threonine, which is neutral and polar, with alanine, which is neutral and non-polar, at codon 679 of the RASA2 protein (p.Thr679Ala). This variant is present in population databases (rs778713518, gnomAD 0.0009%). This variant has not been reported in the literature in individuals affected with RASA2-related conditions. ClinVar contains an entry for this variant (Variation ID: 3430480). Invitae Evidence Modeling of protein sequence and biophysical properties (such as structural, functional, and spatial information, amino acid conservation, physicochemical variation, residue mobility, and thermodynamic stability) indicates that this missense variant is not expected to disrupt RASA2 protein function with a negative predictive value of 80%. In summary, the available evidence is currently insufficient to determine the role of this variant in disease. Therefore, it has been classified as a Variant of Uncertain Significance.

Ambry Genetics
Classification: Uncertain significance. Last evaluated: 2024-10-24. Review status: criteria provided, single submitter. Criteria: Ambry Variant Classification Scheme 2023. Collection method: clinical testing. Allele origin: germline.
Comment: The p.T679A variant (also known as c.2035A>G), located in coding exon 21 of the RASA2 gene, results from an A to G substitution at nucleotide position 2035. The threonine at codon 679 is replaced by alanine, an amino acid with similar properties. This amino acid position is conserved. In addition, this alteration is predicted to be tolerated by in silico analysis. Based on the available evidence, the clinical significance of this variant remains unclear.

NM_006506.5(RASA2):c.2035A>G (p.Thr679Ala)

Gene: RASA2 (RAS p21 protein activator 2; plus strand). Cytogenetic location: 3q23.
Variant type: single nucleotide variant.
Coding change: c.2035A>G on transcript NM_006506.5 (MANE Select); coding-DNA position 2035, A replaced by G.
Protein change: p.Thr679Ala; replaces threonine 679 with alanine.
Molecular consequence: missense variant.
Genome position (GRCh38, 1-based): chr3:141,608,507, A>G. VCF-style: chr3-141608507-A-G. GRCh37 (hg19) VCF-style: chr3-141327349-A-G.
Other names: c.2038A>G, p.Thr680Ala (NM_001303245.3); c.2047A>G, p.Thr683Ala (NM_001303246.3); short protein forms T679A, T683A, T680A.
Identifiers: ClinVar variation 3430480 (VCV003430480.2).